The following is an entry in ClinVar:

NM_015335.5(MED13L):c.6238C>T (p.Arg2080Cys)

Gene: MED13L (mediator complex subunit 13L; minus strand). Cytogenetic location: 12q24.21.
Variant type: single nucleotide variant.
Coding change: c.6238C>T on transcript NM_015335.5 (MANE Select); coding-DNA position 6238, C replaced by T.
Protein change: p.Arg2080Cys; replaces arginine 2080 with cysteine.
Molecular consequence: missense variant.
Genome position (GRCh38, 1-based): chr12:115,966,231, G>A on the plus strand (C>T on the coding strand, the complement: MED13L is on the minus strand). VCF-style: chr12-115966231-G-A. GRCh37 (hg19) VCF-style: chr12-116404036-G-A.
Other names: short protein forms R2080C.
Identifiers: ClinVar variation 4053459 (VCV004053459.2).
Genomic context (GRCh38, chr12:115,966,231, plus strand): 5'-AATACCCAAGGGCCAGGGGCTGCTGCTTTAGCTCCTCTGGTGCTTCTCTAGAAAGAAGAC[G>A]CTCACCCTGGCTCTGAAAAACAAAAATCCCAAAAACATGATCAGCATTTATCTTAAAGCT-3'
Protein context (NP_056150.1, residues 2070-2090): HFQHSRSQGE[Arg2080Cys]LLSREAPEEL

ClinVar aggregate classification (germline): Uncertain significance (1 of 4 stars; one submission).

Conditions:
Inborn genetic diseases. Identifiers: MedGen C0950123, MeSH D030342.

Submission:

Ambry Genetics
Classification: Uncertain significance for Inborn genetic diseases. Last evaluated: 2025-07-25. Review status: criteria provided, single submitter. Criteria: Ambry Variant Classification Scheme 2023. Collection method: clinical testing. Allele origin: germline.
Comment: The c.6238C>T (p.R2080C) alteration is located in exon 29 (coding exon 29) of the MED13L gene. This alteration results from a C to T substitution at nucleotide position 6238, causing the arginine (R) at amino acid position 2080 to be replaced by a cysteine (C). This variant was not reported in population-based cohorts in the Genome Aggregation Database (gnomAD). This amino acid position is highly conserved in available vertebrate species. This alteration is predicted to be deleterious by in silico analysis. Based on insufficient or conflicting evidence, the clinical significance of this alteration remains unclear.